The following is an entry in ClinVar:

NM_001267550.2(TTN):c.59114G>A (p.Arg19705His)

Genes: TTN (titin; minus strand), TTN-AS1 (TTN antisense RNA 1; plus strand). Cytogenetic location: 2q31.2.
Variant type: single nucleotide variant.
Coding change: c.59114G>A on transcript NM_001267550.2 (MANE Select); coding-DNA position 59114, G replaced by A.
Protein change: p.Arg19705His; replaces arginine 19705 with histidine.
Molecular consequence: missense variant.
Genome position (GRCh38, 1-based): chr2:178,593,005, C>T on the plus strand (G>A on the coding strand, the complement: TTN is on the minus strand). VCF-style: chr2-178593005-C-T. GRCh37 (hg19) VCF-style: chr2-179457732-C-T.
Other names: c.51410G>A, p.Arg17137His (NM_133378.4); c.54191G>A, p.Arg18064His (NM_001256850.1); c.31919G>A, p.Arg10640His (NM_003319.4); c.32294G>A, p.Arg10765His (NM_133432.3); c.32495G>A, p.Arg10832His (NM_133437.4); short protein forms R17137H, R19705H, R10640H, R10832H, R10765H, R18064H.
Identifiers: ClinVar variation 165937 (VCV000165937.5), dbSNP rs727503590, ClinGen allele CA178650.
Genomic context (GRCh38, chr2:178,593,005, plus strand): 5'-TCATCTCCAACTTTCTGGTACTCAACAATATAACCCAGAATCTTGCTCCCACCATCATGA[C>T]GTGGTGGCTGCCAAGTTAGATCGACTGAATTGCATGTTGTATCTATTGCTTCAGGATTAA-3'
Protein context (NP_001254479.2, residues 19695-19715): NSVDLTWQPP[Arg19705His]HDGGSKILGY

ClinVar aggregate classification (germline): Uncertain significance (1 of 4 stars; one submission).

Allele frequency attached by ClinVar (database versions not stated): gnomAD exomes 0.00001 and 0.00002; ExAC 0.00002; TOPMed 0.00002; gnomAD 0.00003.
gnomAD v4.1: 26 of 1,613,300 alleles (0.0016%); highest among the groups gnomAD compares: Admixed American, 0.0033%; no homozygotes.

Submission:

Laboratory for Molecular Medicine, Mass General Brigham Personalized Medicine
Classification: Uncertain significance. Last evaluated: 2013-12-06. Review status: criteria provided, single submitter. Criteria: LMM Criteria. Collection method: clinical testing. Allele origin: germline. Observed: 2 variant alleles.
Comment: The Arg17137His variant in TTN has not been reported in individuals with cardiom yopathy or in large population studies. Computational analysis (biochemical amin o acid properties, conservation, AlignGVGD, PolyPhen2, and SIFT) suggest that th e Arg17137His variant may impact the protein, though this information is not pre dictive enough to determine pathogenicity. Additional information is needed to f ully assess the clinical significance of the Arg17137His variant.